The following is an entry in ClinVar:

NM_004998.4(MYO1E):c.361G>A (p.Ala121Thr)

Gene: MYO1E (myosin IE; minus strand). Cytogenetic location: 15q22.2.
Variant type: single nucleotide variant.
Coding change: c.361G>A on transcript NM_004998.4 (MANE Select); coding-DNA position 361, G replaced by A.
Protein change: p.Ala121Thr; replaces alanine 121 with threonine.
Molecular consequence: missense variant.
Genome position (GRCh38, 1-based): chr15:59,236,644, C>T on the plus strand (G>A on the coding strand, the complement: MYO1E is on the minus strand). VCF-style: chr15-59236644-C-T. GRCh37 (hg19) VCF-style: chr15-59528843-C-T.
Other names: short protein forms A121T.
Identifiers: ClinVar variation 977118 (VCV000977118.2), dbSNP rs766032411, ClinGen allele CA392646871.

ClinVar aggregate classification (germline): drug response (0 of 4 stars; one submission).

Conditions:
Corticosteroids response. Also called: Corticosteroid response.

Submission:

Genetic Testing Lab, Ashok and Rita Patel Institute of Integrated Study and Research in Biotechnology and Allied Sciences
Classification: drug response for Corticosteroid response. Last evaluated: 2020-01-12. Review status: no assertion criteria provided. Collection method: research. Allele origin: somatic. Affected: yes. Observed: 37 variant alleles.
Comment: Depending upon patients response to standard corticosteroids therapy, they were classified to be either Steroid resistance(SRNS) or steroid sensitive(SSNS), histopathological finding confirmed it for Minimal change disease